The following is an entry in ClinVar:

ClinVar aggregate classification (germline): Uncertain significance (1 of 4 stars; one submission).

Conditions:
Hereditary breast ovarian cancer syndrome. Also called: Hereditary breast and ovarian cancer syndrome (HBOC); Hereditary breast and ovarian cancer; Breast and ovarian cancer; BRCA1- and BRCA2-Associated Hereditary Breast and Ovarian Cancer; Hereditary breast and ovarian cancer syndrome; Hereditary breast and/or ovarian cancer syndrome. Identifiers: Orphanet 145, MedGen C0677776, MeSH D061325, MONDO:0003582. Disease mechanism: loss of function.

Submission:

Labcorp Genetics (formerly Invitae), Labcorp
Classification: Uncertain significance for Hereditary breast ovarian cancer syndrome. Last evaluated: 2019-07-31. Review status: criteria provided, single submitter. Criteria: Invitae Variant Classification Sherloc (09022015). Collection method: clinical testing. Allele origin: germline.
Comment: In summary, the available evidence is currently insufficient to determine the role of this variant in disease. Therefore, it has been classified as a Variant of Uncertain Significance. Algorithms developed to predict the effect of missense changes on protein structure and function are either unavailable or do not agree on the potential impact of this missense change (SIFT: "Tolerated"; PolyPhen-2: "Probably Damaging"; Align-GVGD: "Class C0"). This variant has not been reported in the literature in individuals with BRCA2-related conditions. This variant is not present in population databases (ExAC no frequency). This sequence change replaces proline with alanine at codon 3285 of the BRCA2 protein (p.Pro3285Ala). The proline residue is highly conserved and there is a small physicochemical difference between proline and alanine.

NM_000059.4(BRCA2):c.9853C>G (p.Pro3285Ala)

Gene: BRCA2 (BRCA2 DNA repair associated; plus strand). Cytogenetic location: 13q13.1.
Variant type: single nucleotide variant.
Coding change: c.9853C>G on transcript NM_000059.4 (MANE Select); coding-DNA position 9853, C replaced by G.
Protein change: p.Pro3285Ala; replaces proline 3285 with alanine.
Molecular consequence: missense variant.
Genome position (GRCh38, 1-based): chr13:32,398,366, C>G. VCF-style: chr13-32398366-C-G. GRCh37 (hg19) VCF-style: chr13-32972503-C-G.
Other names: short protein forms P3285A.
Identifiers: ClinVar variation 945065 (VCV000945065.10), dbSNP rs587778127, ClinGen allele CA387766511.